The following is an entry in ClinVar:

NM_001369369.1(FOXN1):c.1864G>A (p.Glu622Lys)

Gene: FOXN1 (forkhead box N1; plus strand). Cytogenetic location: 17q11.2.
Variant type: single nucleotide variant.
Coding change: c.1864G>A on transcript NM_001369369.1 (MANE Select); coding-DNA position 1864, G replaced by A.
Protein change: p.Glu622Lys; replaces glutamic acid 622 with lysine.
Molecular consequence: missense variant.
Genome position (GRCh38, 1-based): chr17:28,537,353, G>A. VCF-style: chr17-28537353-G-A. GRCh37 (hg19) VCF-style: chr17-26864371-G-A.
Other names: c.1864G>A, p.Glu622Lys (NM_003593.3); c.1864G>A (NM_003593.2); short protein forms E622K.
Identifiers: ClinVar variation 1448060 (VCV001448060.10), dbSNP rs768443971, ClinGen allele CA8459643.
Genomic context (GRCh38, chr17:28,537,353, plus strand): 5'-AGTGGTGGCTCCGGGGCACTGGGTGACCTGCACCTCACCACCCTCTACTCTGCCTTTATG[G>A]AGCTGGAGCCCACGCCCCCCACGGCCCCTGCAGGCCCCTCTGTGTACCTCAGCCCCAGCT-3'
Protein context (NP_001356298.1, residues 612-632): HLTTLYSAFM[Glu622Lys]LEPTPPTAPA

ClinVar aggregate classification (germline): Uncertain significance. Review status: criteria provided, multiple submitters, no conflicts (2 of 4 stars). 2 submissions from 2 submitters: Uncertain significance (2). Last evaluated 2023-12-09.

Conditions:
T-cell immunodeficiency, congenital alopecia, and nail dystrophy. Also called: Congenital alopecia and nail dystrophy associated with severe functional T-cell immunodeficiency; Pignata Guarino syndrome. Identifiers: Orphanet 169095, MedGen C1866426, MONDO:0011132, OMIM 601705.
Inborn genetic diseases. Identifiers: MedGen C0950123, MeSH D030342.

Allele frequency attached by ClinVar (database versions not stated): gnomAD exomes below 0.00001 and 0.00001; ExAC 0.00001.
gnomAD v4.1: 12 of 1,613,028 alleles (0.00074%); highest among the groups gnomAD compares: South Asian, 0.013%; no homozygotes.

Submissions (2):

Labcorp Genetics (formerly Invitae), Labcorp
Classification: Uncertain significance for T-cell immunodeficiency, congenital alopecia, and nail dystrophy. Last evaluated: 2023-12-09. Review status: criteria provided, single submitter. Criteria: Invitae Variant Classification Sherloc (09022015). Collection method: clinical testing. Allele origin: germline.
Comment: This sequence change replaces glutamic acid, which is acidic and polar, with lysine, which is basic and polar, at codon 622 of the FOXN1 protein (p.Glu622Lys). This variant is present in population databases (rs768443971, gnomAD 0.003%). This variant has not been reported in the literature in individuals affected with FOXN1-related conditions. ClinVar contains an entry for this variant (Variation ID: 1448060). Advanced modeling of protein sequence and biophysical properties (such as structural, functional, and spatial information, amino acid conservation, physicochemical variation, residue mobility, and thermodynamic stability) performed at Invitae indicates that this missense variant is not expected to disrupt FOXN1 protein function with a negative predictive value of 80%. In summary, the available evidence is currently insufficient to determine the role of this variant in disease. Therefore, it has been classified as a Variant of Uncertain Significance.

Ambry Genetics
Classification: Uncertain significance for Inborn genetic diseases. Last evaluated: 2023-06-28. Review status: criteria provided, single submitter. Criteria: Ambry Variant Classification Scheme 2023. Collection method: clinical testing. Allele origin: germline.